The following is an entry in ClinVar:

ClinVar aggregate classification (germline): Likely pathogenic (1 of 4 stars; one submission).

Submission:

GeneDx
Classification: Likely pathogenic. Last evaluated: 2018-09-14. Review status: criteria provided, single submitter. Criteria: GeneDx Variant Classification (06012015). Collection method: clinical testing. Allele origin: germline. Affected: yes.
Comment: A variant that is likely pathogenic has been identified in the GATA3 gene. The c.1130_1139dup10 variant has not been published as a pathogenic variant, nor has it been reported as a benign variant to our knowledge. The c.1130_1139dup10 variant causes a frameshift starting with codon Histidine 380, changes this amino acid to a Glutamine residue and creates a premature Stop codon at position 5 of the new reading frame, denoted p.His380GlnfsX5. This variant is predicted to cause loss of normal protein function as the last 65 amino acids of the GATA3 protein are replaced with 4 incorrect amino acids. The c.1130_1139dup10 variant is not observed in large population cohorts (Lek et al., 2016). Therefore, this variant is likely pathogenic; however, the possibility that it is benign cannot be excluded.

NM_001002295.2(GATA3):c.1130_1139dup (p.His380fs)

Gene: GATA3 (GATA binding protein 3; plus strand). Cytogenetic location: 10p14.
Variant type: Microsatellite.
Coding change: c.1130_1139dup on transcript NM_001002295.2 (MANE Select); coding-DNA positions 1130 to 1139, 10 bases duplicated (AAAAAGTGCA; older notation c.1130_1139dupAAAAAGTGCA).
Protein change: p.His380fs; shifts the reading frame from histidine 380.
Molecular consequence: frameshift variant.
Genome position (GRCh38, 1-based): chr10:8,073,818-8,073,827, AAAAAGTGCA duplicated; duplicating any 10 consecutive bases within chr10:8,073,808-8,073,827 gives the same sequence; the c. name uses the placement nearest the transcript's 3' end. VCF-style (leftmost placement, unchanged base first): chr10-8073807-C-CAAAAAGTGCA. GRCh37 (hg19) VCF-style: chr10-8115770-C-CAAAAAGTGCA.
Other names: c.1127_1136dup, p.His379fs (NM_002051.3); short protein forms H379fs, H380fs.
Identifiers: ClinVar variation 817802 (VCV000817802.1), dbSNP rs1588391546, ClinGen allele CA915945846.